The following is an entry in ClinVar:

NM_025114.4(CEP290):c.5861A>T (p.Asp1954Val)

Gene: CEP290 (centrosomal protein 290; minus strand). Cytogenetic location: 12q21.32.
Variant type: single nucleotide variant.
Coding change: c.5861A>T on transcript NM_025114.4 (MANE Select); coding-DNA position 5861, A replaced by T.
Protein change: p.Asp1954Val; replaces aspartic acid 1954 with valine.
Molecular consequence: missense variant.
Genome position (GRCh38, 1-based): chr12:88,071,444, T>A on the plus strand (A>T on the coding strand, the complement: CEP290 is on the minus strand). VCF-style: chr12-88071444-T-A. GRCh37 (hg19) VCF-style: chr12-88465221-T-A.
Other names: short protein forms D1954V.
Identifiers: ClinVar variation 4991947 (VCV004991947.1).
Genomic context (GRCh38, chr12:88,071,444, plus strand): 5'-ACCTGATCAACAGTCATGCCAGTTGTTTTTAGTTTCCTCTGCAAAGTAAGTTTCTCTTTA[T>A]CGGCTCTGTGGAATTTAATATAGAATCATGAAATATACCATTCAGTGTTTGGCTTTTCAA-3'
Protein context (NP_079390.3, residues 1944-1964): NTLKDLFAKA[Asp1954Val]KEKLTLQRKL

ClinVar aggregate classification (germline): Uncertain significance (1 of 4 stars; one submission).

Conditions:
CEP290-related disorder. Also called: CEP290-related condition; CEP290-related disorders. Identifiers: MedGen CN239314.

Submission:

PreventionGenetics, part of Exact Sciences
Classification: Uncertain significance for CEP290-related condition. Last evaluated: 2026-08-26. Review status: criteria provided, single submitter. Criteria: ACMG Guidelines, 2015. Collection method: clinical testing. Allele origin: germline.
Comment: The CEP290 c.5861A>T variant is predicted to result in the amino acid substitution p.Asp1954Val. To our knowledge, this variant has not been reported in the literature or in a large population database (gnomAD), indicating this variant is rare. At this time, the clinical significance of this variant is uncertain due to the absence of conclusive functional and genetic evidence.